The following is an entry in ClinVar:

ClinVar aggregate classification (germline): Uncertain significance (1 of 4 stars; one submission).

Conditions:
Focal segmental glomerulosclerosis 5 (FSGS5). Identifiers: Orphanet 656, MedGen C2750475, MONDO:0013191, OMIM 613237.
Charcot-Marie-Tooth disease dominant intermediate E. Also called: CHARCOT-MARIE-TOOTH NEUROPATHY WITH FOCAL SEGMENTAL GLOMERULONEPHRITIS. Identifiers: Orphanet 93114, MedGen C4302667, MONDO:0013758, OMIM 614455.

Allele frequency attached by ClinVar (database versions not stated): TOPMed below 0.00001; gnomAD exomes 0.00001.
gnomAD v4.1: 3 of 1,594,762 alleles (0.00019%); highest among the groups gnomAD compares: Non-Finnish European, 0.00026%; no homozygotes.

Submission:

Labcorp Genetics (formerly Invitae), Labcorp
Classification: Uncertain significance for Charcot-Marie-Tooth disease dominant intermediate E; Focal segmental glomerulosclerosis 5. Last evaluated: 2023-06-21. Review status: criteria provided, single submitter. Criteria: Invitae Variant Classification Sherloc (09022015). Collection method: clinical testing. Allele origin: germline.
Comment: This missense change has been observed in individual(s) with INF2-related conditions (PMID: 30126379). This sequence change replaces threonine, which is neutral and polar, with isoleucine, which is neutral and non-polar, at codon 1060 of the INF2 protein (p.Thr1060Ile). In summary, the available evidence is currently insufficient to determine the role of this variant in disease. Therefore, it has been classified as a Variant of Uncertain Significance. This variant is not present in population databases (gnomAD no frequency). Advanced modeling of protein sequence and biophysical properties (such as structural, functional, and spatial information, amino acid conservation, physicochemical variation, residue mobility, and thermodynamic stability) performed at Invitae indicates that this missense variant is not expected to disrupt INF2 protein function.

Literature cited by the submitters: PubMed 30126379.

NM_022489.4(INF2):c.3179C>T (p.Thr1060Ile)

Gene: INF2 (inverted formin 2; plus strand). Cytogenetic location: 14q32.33.
Variant type: single nucleotide variant.
Coding change: c.3179C>T on transcript NM_022489.4 (MANE Select); coding-DNA position 3179, C replaced by T.
Protein change: p.Thr1060Ile; replaces threonine 1060 with isoleucine.
Molecular consequence: missense variant.
Genome position (GRCh38, 1-based): chr14:104,714,341, C>T. VCF-style: chr14-104714341-C-T. GRCh37 (hg19) VCF-style: chr14-105180678-C-T.
Other names: c.3179C>T, p.Thr1060Ile (NM_001031714.4, NM_001426862.1, NM_001426863.1 and 2 more transcripts); short protein forms T1060I.
Identifiers: ClinVar variation 2932548 (VCV002932548.3), dbSNP rs1458294057, ClinGen allele CA391223695.
Genomic context (GRCh38, chr14:104,714,341, plus strand): 5'-CAGCCAGCGAGTCCCGGGGCTGGGACCTTGTAGACGCCGTGACCCCCGGCCCTCAGCCCA[C>T]CCTGGAGCAGTTGGAGGAGGGTGGTCCACGGCCCCTGGAGAGGCGTTCTTCCTGGTATGT-3'
Protein context (NP_071934.3, residues 1050-1070): VDAVTPGPQP[Thr1060Ile]LEQLEEGGPR